The following is an entry in ClinVar:

NM_018896.5(CACNA1G):c.2453+10C>A

Gene: CACNA1G (calcium voltage-gated channel subunit alpha1 G; plus strand). Cytogenetic location: 17q21.33.
Variant type: single nucleotide variant.
Coding change: c.2453+10C>A on transcript NM_018896.5 (MANE Select); 10 bases into the intron after coding-DNA position 2453, C replaced by A.
Molecular consequence: intron variant.
Genome position (GRCh38, 1-based): chr17:50,590,632, C>A. VCF-style: chr17-50590632-C-A. GRCh37 (hg19) VCF-style: chr17-48667993-C-A.
Other names: c.2453+10C>A (NM_001256325.2, NM_198377.3, NM_198380.3 and 24 more transcripts).
Identifiers: ClinVar variation 3054237 (VCV003054237.2), dbSNP rs185499803, ClinGen allele CA8652411.
Genomic context (GRCh38, chr17:50,590,632, plus strand): 5'-CTACATCAAGAATCCCTACAACATCTTCGATGGTGTCATTGTGGTCATCAGGTATGACTA[C>A]CCCCCGGCACTGACTCTCAGTTGAGGAATGGTAGCAGGGGTGGCTTGGGGCCAGGGGCCA-3'

ClinVar aggregate classification (germline): Likely benign (0 of 4 stars; one submission).

Conditions:
CACNA1G-related disorder. Also called: CACNA1G-related disorders; CACNA1G-related condition.

Allele frequency attached by ClinVar (database versions not stated): 1000 Genomes Project 30x 0.00016.
gnomAD v4.1: 59 of 1,607,456 alleles (0.0037%); highest among the groups gnomAD compares: East Asian, 0.032%; no homozygotes.

Submission:

PreventionGenetics, part of Exact Sciences
Classification: Likely benign for CACNA1G-related condition. Last evaluated: 2020-03-27. Review status: no assertion criteria provided. Collection method: clinical testing. Allele origin: germline.
Comment: This variant is classified as likely benign based on ACMG/AMP sequence variant interpretation guidelines (Richards et al. 2015 PMID: 25741868, with internal and published modifications).